The following is an entry in ClinVar:

NM_012433.4(SF3B1):c.1837A>G (p.Met613Val)

Gene: SF3B1 (splicing factor 3b subunit 1; minus strand). Cytogenetic location: 2q33.1.
Variant type: single nucleotide variant.
Coding change: c.1837A>G on transcript NM_012433.4 (MANE Select); coding-DNA position 1837, A replaced by G.
Protein change: p.Met613Val; replaces methionine 613 with valine.
Molecular consequence: missense variant.
Genome position (GRCh38, 1-based): chr2:197,402,796, T>C on the plus strand (A>G on the coding strand, the complement: SF3B1 is on the minus strand). VCF-style: chr2-197402796-T-C. GRCh37 (hg19) VCF-style: chr2-198267520-T-C.
Other names: short protein forms M613V.
Identifiers: ClinVar variation 4755748 (VCV004755748.1).

ClinVar aggregate classification (germline): Uncertain significance (1 of 4 stars; one submission).

Submission:

GeneDx
Classification: Uncertain significance. Last evaluated: 2023-06-15. Review status: criteria provided, single submitter. Criteria: GeneDx Variant Classification Process June 2021. Collection method: clinical testing. Allele origin: germline. Affected: yes.
Comment: Not observed at significant frequency in large population cohorts (gnomAD); In silico analysis supports that this missense variant has a deleterious effect on protein structure/function; Has not been previously published as pathogenic or benign to our knowledge; Variants in candidate genes are classified as variants of uncertain significance in accordance with ACMG guidelines (Richards et al., 2015)